The following is an entry in ClinVar:

NM_003106.4(SOX2):c.22G>T (p.Glu8Ter)

Genes: SOX2 (SRY-box transcription factor 2; plus strand), SOX2-OT (SOX2 overlapping transcript; plus strand), LOC108281177 (SOX2 5' regulatory region; plus strand). Cytogenetic location: 3q26.33.
Variant type: single nucleotide variant.
Coding change: c.22G>T on transcript NM_003106.4 (MANE Select); coding-DNA position 22, G replaced by T.
Protein change: p.Glu8Ter; replaces glutamic acid 8 with a stop codon.
Molecular consequence: nonsense.
Genome position (GRCh38, 1-based): chr3:181,712,382, G>T. VCF-style: chr3-181712382-G-T. GRCh37 (hg19) VCF-style: chr3-181430170-G-T.
Other names: short protein forms E8*.
Identifiers: ClinVar variation 988074 (VCV000988074.4), dbSNP rs1208628241, ClinGen allele CA355472961.
Genomic context (GRCh38, chr3:181,712,382, plus strand): 5'-GGCGGCCGCCGGCGGGCCGGGCCCGCGCACAGCGCCCGCATGTACAACATGATGGAGACG[G>T]AGCTGAAGCCGCCGGGCCCGCAGCAAACTTCGGGGGGCGGCGGCGGCAACTCCACCGCGG-3'

ClinVar aggregate classification (germline): Pathogenic/Likely pathogenic. Review status: criteria provided, multiple submitters, no conflicts (2 of 4 stars). 2 submissions from 2 submitters: Pathogenic (1); Likely pathogenic (1). Last evaluated 2024-06-01.

Conditions:
Anophthalmia/microphthalmia-esophageal atresia syndrome (MCOPS3). Also called: MICROPHTHALMIA AND ESOPHAGEAL ATRESIA SYNDROME; AEG SYNDROME; SOX2 Disorder. Identifiers: Orphanet 77298, MedGen C1859773, MONDO:0008799, OMIM 206900.

Submissions (2):

Labcorp Genetics (formerly Invitae), Labcorp
Classification: Pathogenic for Anophthalmia/microphthalmia-esophageal atresia syndrome. Last evaluated: 2024-06-01. Review status: criteria provided, single submitter. Criteria: Invitae Variant Classification Sherloc (09022015). Collection method: clinical testing. Allele origin: germline.
Comment: This sequence change creates a premature translational stop signal (p.Glu8*) in the SOX2 gene. While this is not anticipated to result in nonsense mediated decay, it is expected to disrupt the last 310 amino acid(s) of the SOX2 protein. This variant is not present in population databases (gnomAD no frequency). This premature translational stop signal has been observed in individual(s) with Peters' anomaly (PMID: 35170016). ClinVar contains an entry for this variant (Variation ID: 988074). This variant disrupts a region of the SOX2 protein in which other variant(s) (p.Tyr180*) have been determined to be pathogenic (PMID: 19921648). This suggests that this is a clinically significant region of the protein, and that variants that disrupt it are likely to be disease-causing. For these reasons, this variant has been classified as Pathogenic.

Genetics Department, University Hospital of Toulouse
Classification: Likely pathogenic for Anophthalmia/microphthalmia-esophageal atresia syndrome. Last evaluated: 2020-11-26. Review status: criteria provided, single submitter. Criteria: ACMG Guidelines, 2015. Collection method: clinical testing. Allele origin: germline. Affected: yes. Observed: 1 variant allele.
Comment: PVS1, PM2

Literature cited by the submitters: PubMed 35170016 (cited by Labcorp Genetics (formerly Invitae), Labcorp); PubMed 19921648 (cited by Labcorp Genetics (formerly Invitae), Labcorp).